The following is an entry in ClinVar:

ClinVar aggregate classification (germline): Uncertain significance. Review status: criteria provided, multiple submitters, no conflicts (2 of 4 stars). 3 submissions from 3 submitters: Uncertain significance (3). Last evaluated 2024-07-12.

Conditions:
Cone-rod dystrophy 15 (CORD15). Identifiers: MedGen C3150912, MONDO:0013348, OMIM 613660.

Allele frequency attached by ClinVar (database versions not stated): gnomAD exomes below 0.00001 and 0.00003; ExAC 0.00001; gnomAD 0.00001; TOPMed 0.00001.
gnomAD v4.1: 39 of 1,614,014 alleles (0.0024%); highest among the groups gnomAD compares: Non-Finnish European, 0.0033%; no homozygotes.

Submissions (3):

Blueprint Genetics
Classification: Uncertain significance. Last evaluated: 2024-07-12. Review status: criteria provided, single submitter. Criteria: ACMG Guidelines, 2015. Collection method: clinical testing. Allele origin: germline.

Labcorp Genetics (formerly Invitae), Labcorp
Classification: Uncertain significance. Last evaluated: 2021-10-12. Review status: criteria provided, single submitter. Criteria: Invitae Variant Classification Sherloc (09022015). Collection method: clinical testing. Allele origin: germline.
Comment: This sequence change replaces valine with glutamic acid at codon 702 of the CDHR1 protein (p.Val702Glu). The valine residue is highly conserved and there is a moderate physicochemical difference between valine and glutamic acid. This variant is present in population databases (rs778906376, ExAC 0.002%). This variant has not been reported in the literature in individuals affected with CDHR1-related conditions. ClinVar contains an entry for this variant (Variation ID: 879455). Advanced modeling of protein sequence and biophysical properties (such as structural, functional, and spatial information, amino acid conservation, physicochemical variation, residue mobility, and thermodynamic stability) performed at Invitae indicates that this missense variant is not expected to disrupt CDHR1 protein function. In summary, the available evidence is currently insufficient to determine the role of this variant in disease. Therefore, it has been classified as a Variant of Uncertain Significance.

Illumina Laboratory Services, Illumina
Classification: Uncertain significance for Cone-rod dystrophy 15. Last evaluated: 2018-01-13. Review status: criteria provided, single submitter. Criteria: ICSL Variant Classification Criteria 13 December 2019. Collection method: clinical testing. Allele origin: germline.

NM_033100.4(CDHR1):c.2105T>A (p.Val702Glu)

Gene: CDHR1 (cadherin related family member 1; plus strand). Cytogenetic location: 10q23.1.
Variant type: single nucleotide variant.
Coding change: c.2105T>A on transcript NM_033100.4 (MANE Select); coding-DNA position 2105, T replaced by A.
Protein change: p.Val702Glu; replaces valine 702 with glutamic acid.
Molecular consequence: missense variant. On other transcripts: intron variant (1).
Genome position (GRCh38, 1-based): chr10:84,214,146, T>A. VCF-style: chr10-84214146-T-A. GRCh37 (hg19) VCF-style: chr10-85973902-T-A.
Other names: c.2040+798T>A (NM_001171971.3); short protein forms V702E.
Identifiers: ClinVar variation 879455 (VCV000879455.7), dbSNP rs778906376, ClinGen allele CA5580148.